The following is an entry in ClinVar:

NM_000350.3(ABCA4):c.1099+166G>A

Gene: ABCA4 (ATP binding cassette subfamily A member 4; minus strand). Cytogenetic location: 1p22.1.
Variant type: single nucleotide variant.
Coding change: c.1099+166G>A on transcript NM_000350.3 (MANE Select); 166 bases into the intron after coding-DNA position 1099, G replaced by A.
Molecular consequence: intron variant.
Genome position (GRCh38, 1-based): chr1:94,080,312, C>T on the plus strand (G>A on the coding strand, the complement: ABCA4 is on the minus strand). VCF-style: chr1-94080312-C-T. GRCh37 (hg19) VCF-style: chr1-94545868-C-T.
Identifiers: ClinVar variation 1706971 (VCV001706971.2), dbSNP rs144085043, ClinGen allele CA26870179.
Genomic context (GRCh38, chr1:94,080,312, plus strand): 5'-TCCAAGTGGGCCTCAGTTCTTTCTGTGGTTCATGTCCAGAATTGCTTATAAGCAATGCCC[C>T]CTTTCTGCAAGGGGAAGTGGACTTTCTGGGAGAAGTCTCTTTACCTAAGGCCACTCAGCA-3'

ClinVar aggregate classification (germline): Likely benign (1 of 4 stars; one submission).

Allele frequency attached by ClinVar (database versions not stated): 1000 Genomes Project 0.00300; 1000 Genomes Project 30x 0.00328.
gnomAD v4.1: 514 of 152,290 alleles (0.34%); highest among the groups gnomAD compares: African/African-American, 1.2%; no homozygotes.

Submission:

GeneDx
Classification: Likely benign. Last evaluated: 2019-02-18. Review status: criteria provided, single submitter. Criteria: GeneDx Variant Classification Process June 2021. Collection method: clinical testing. Allele origin: germline. Affected: yes.
Comment: See Variant Classification Assertion Criteria.